The following is an entry in ClinVar:

NM_080680.3(COL11A2):c.4955C>G (p.Ser1652Cys)

Gene: COL11A2 (collagen type XI alpha 2 chain; minus strand). Cytogenetic location: 6p21.32.
Variant type: single nucleotide variant.
Coding change: c.4955C>G on transcript NM_080680.3 (MANE Select); coding-DNA position 4955, C replaced by G.
Protein change: p.Ser1652Cys; replaces serine 1652 with cysteine.
Molecular consequence: missense variant.
Genome position (GRCh38, 1-based): chr6:33,164,382, G>C on the plus strand (C>G on the coding strand, the complement: COL11A2 is on the minus strand). VCF-style: chr6-33164382-G-C. GRCh37 (hg19) VCF-style: chr6-33132159-G-C.
Other names: c.4775C>G, p.Ser1592Cys (NM_001424108.1); c.4109C>G, p.Ser1370Cys (NM_001424109.1); c.3929C>G, p.Ser1310Cys (NM_001424110.1, NM_001424111.1); c.2909C>G, p.Ser970Cys (NM_001424112.1); c.4634C>G, p.Ser1545Cys (NM_080679.3); c.4697C>G, p.Ser1566Cys (NM_080681.3); short protein forms S1310C, S1370C, S1545C, S1566C, S1592C, S1652C, S970C.
Identifiers: ClinVar variation 4801305 (VCV004801305.1).

ClinVar aggregate classification (germline): Uncertain significance (1 of 4 stars; one submission).

Submission:

Labcorp Genetics (formerly Invitae), Labcorp
Classification: Uncertain significance. Last evaluated: 2026-01-24. Review status: criteria provided, single submitter. Criteria: Invitae Variant Classification Sherloc (09022015). Collection method: clinical testing. Allele origin: germline.
Comment: This sequence change replaces serine, which is neutral and polar, with cysteine, which is neutral and slightly polar, at codon 1652 of the COL11A2 protein (p.Ser1652Cys). This variant is not present in population databases (gnomAD no frequency). This variant has not been reported in the literature in individuals affected with COL11A2-related conditions. Invitae Evidence Modeling of protein sequence and biophysical properties (such as structural, functional, and spatial information, amino acid conservation, physicochemical variation, residue mobility, and thermodynamic stability) indicates that this missense variant is not expected to disrupt COL11A2 protein function with a negative predictive value of 95%. In summary, the available evidence is currently insufficient to determine the role of this variant in disease. Therefore, it has been classified as a Variant of Uncertain Significance.